The following is an entry in ClinVar:

NM_005908.4(MANBA):c.1869+3A>T

Gene: MANBA (mannosidase beta; minus strand). Cytogenetic location: 4q24.
Variant type: single nucleotide variant.
Coding change: c.1869+3A>T on transcript NM_005908.4 (MANE Select); 3 bases into the intron after coding-DNA position 1869, A replaced by T.
Molecular consequence: intron variant.
Genome position (GRCh38, 1-based): chr4:102,650,534, T>A on the plus strand (A>T on the coding strand, the complement: MANBA is on the minus strand). VCF-style: chr4-102650534-T-A. GRCh37 (hg19) VCF-style: chr4-103571691-T-A.
Identifiers: ClinVar variation 2291892 (VCV002291892.2), dbSNP rs538787092, ClinGen allele CA3026782.

ClinVar aggregate classification (germline): Uncertain significance (1 of 4 stars; one submission).

Conditions:
Inborn genetic diseases. Identifiers: MedGen C0950123, MeSH D030342.

Allele frequency attached by ClinVar (database versions not stated): ExAC 0.00002; gnomAD 0.00003; TOPMed 0.00005; 1000 Genomes Project 0.00020; 1000 Genomes Project 30x 0.00031.
gnomAD v4.1: 13 of 1,610,192 alleles (0.00081%); highest among the groups gnomAD compares: African/African-American, 0.017%; no homozygotes.

Submission:

Ambry Genetics
Classification: Uncertain significance for Inborn genetic diseases. Last evaluated: 2022-07-08. Review status: criteria provided, single submitter. Criteria: Ambry Variant Classification Scheme 2023. Collection method: clinical testing. Allele origin: germline.
Comment: The c.1869+3A>T intronic alteration consists of a A to T substitution nucleotides after coding exon 13 in the MANBA gene. Based on insufficient or conflicting evidence, the clinical significance of this alteration remains unclear.